The following is an entry in ClinVar:

ClinVar aggregate classification (germline): Uncertain significance (1 of 4 stars; one submission).

Allele frequency attached by ClinVar (database versions not stated): gnomAD exomes below 0.00001; ExAC 0.00001.
gnomAD v4.1: 1 of 1,614,084 alleles (0.000062%); highest among the groups gnomAD compares: Non-Finnish European, 0.000085%; no homozygotes.

Submission:

Labcorp Genetics (formerly Invitae), Labcorp
Classification: Uncertain significance. Last evaluated: 2024-10-28. Review status: criteria provided, single submitter. Criteria: Invitae Variant Classification Sherloc (09022015). Collection method: clinical testing. Allele origin: germline.
Comment: This sequence change replaces glycine, which is neutral and non-polar, with glutamic acid, which is acidic and polar, at codon 598 of the NLRP1 protein (p.Gly598Glu). This variant is present in population databases (rs776853587, gnomAD 0.0009%). This variant has not been reported in the literature in individuals affected with NLRP1-related conditions. ClinVar contains an entry for this variant (Variation ID: 1378577). An algorithm developed to predict the effect of missense changes on protein structure and function outputs the following: PolyPhen-2: "Benign". The glutamic acid amino acid residue is found in multiple mammalian species, which suggests that this missense change does not adversely affect protein function. In summary, the available evidence is currently insufficient to determine the role of this variant in disease. Therefore, it has been classified as a Variant of Uncertain Significance.

NM_033004.4(NLRP1):c.1793G>A (p.Gly598Glu)

Gene: NLRP1 (NLR family pyrin domain containing 1; minus strand). Cytogenetic location: 17p13.2.
Variant type: single nucleotide variant.
Coding change: c.1793G>A on transcript NM_033004.4 (MANE Select); coding-DNA position 1793, G replaced by A.
Protein change: p.Gly598Glu; replaces glycine 598 with glutamic acid.
Molecular consequence: missense variant.
Genome position (GRCh38, 1-based): chr17:5,558,903, C>T on the plus strand (G>A on the coding strand, the complement: NLRP1 is on the minus strand). VCF-style: chr17-5558903-C-T. GRCh37 (hg19) VCF-style: chr17-5462223-C-T.
Other names: c.1793G>A, p.Gly598Glu (NM_001033053.3, NM_014922.5, NM_033006.4 and 1 more transcripts); short protein forms G598E.
Identifiers: ClinVar variation 1378577 (VCV001378577.6), dbSNP rs776853587, ClinGen allele CA8327323.
Genomic context (GRCh38, chr17:5,558,903, plus strand): 5'-CTCAGAGGGATGGGGTGCTCTTGAAGAATACCCATCTTCAAGAAGGTGGAGATGATGGCC[C>T]CATCTAACCCATGCTTCCTGAGGTCATCTGGACTGAAAAGGGTCTTTTTTTGCCAGATGC-3'
Protein context (NP_127497.1, residues 588-608): PDDLRKHGLD[Gly598Glu]AIISTFLKMG